The following is an entry in ClinVar:

ClinVar aggregate classification (germline): Likely benign. Review status: criteria provided, multiple submitters, no conflicts (2 of 4 stars). 4 submissions from 4 submitters: Likely benign (4). Last evaluated 2025-10-26.

Conditions:
Familial thoracic aortic aneurysm and aortic dissection (TAAD). Also called: Thoracic aortic aneurysms and dissections. Identifiers: Orphanet 91387, MedGen C4707243, MONDO:0019625.

Allele frequency attached by ClinVar (database versions not stated): gnomAD 0.00001; gnomAD exomes 0.00001; ExAC 0.00002.
gnomAD v4.1: 11 of 1,614,188 alleles (0.00068%); highest among the groups gnomAD compares: Admixed American, 0.0033%; no homozygotes.

Submissions (4):

Labcorp Genetics (formerly Invitae), Labcorp
Classification: Likely benign for Familial thoracic aortic aneurysm and aortic dissection. Last evaluated: 2025-10-26. Review status: criteria provided, single submitter. Criteria: Invitae Variant Classification Sherloc (09022015). Collection method: clinical testing. Allele origin: germline.

Ambry Genetics
Classification: Likely benign for Familial thoracic aortic aneurysm and aortic dissection. Last evaluated: 2020-05-09. Review status: criteria provided, single submitter. Criteria: Ambry Variant Classification Scheme 2023. Collection method: clinical testing. Allele origin: germline.

Color Diagnostics, LLC DBA Color Health
Classification: Likely benign for Familial thoracic aortic aneurysm and aortic dissection. Last evaluated: 2018-10-30. Review status: criteria provided, single submitter. Criteria: ACMG Guidelines, 2015. Collection method: clinical testing. Allele origin: germline.

GeneDx
Classification: Likely benign. Last evaluated: 2017-04-03. Review status: criteria provided, single submitter. Criteria: GeneDx Variant Classification (06012015). Collection method: clinical testing. Allele origin: germline. Affected: yes.
Comment: This variant is considered likely benign or benign based on one or more of the following criteria: it is a conservative change, it occurs at a poorly conserved position in the protein, it is predicted to be benign by multiple in silico algorithms, and/or has population frequency not consistent with disease.

NM_005902.4(SMAD3):c.462C>T (p.Asp154=)

Gene: SMAD3 (SMAD family member 3; plus strand). Cytogenetic location: 15q22.33.
Variant type: single nucleotide variant.
Coding change: c.462C>T on transcript NM_005902.4 (MANE Select); coding-DNA position 462, C replaced by T.
Protein change: p.Asp154=; no amino-acid change (aspartic acid 154 retained).
Molecular consequence: synonymous variant.
Genome position (GRCh38, 1-based): chr15:67,165,314, C>T. VCF-style: chr15-67165314-C-T. GRCh37 (hg19) VCF-style: chr15-67457652-C-T.
Other names: c.147C>T, p.Asp49= (NM_001145102.2); c.330C>T, p.Asp110= (NM_001145103.2).
Identifiers: ClinVar variation 508342 (VCV000508342.12), dbSNP rs756124653, ClinGen allele CA062267.